The following is an entry in ClinVar:

ClinVar aggregate classification (germline): Uncertain significance. Review status: criteria provided, multiple submitters, no conflicts (2 of 4 stars). 2 submissions from 2 submitters: Uncertain significance (2). Last evaluated 2024-06-04.

Conditions:
Exudative vitreoretinopathy 4 (EVR4). Identifiers: Orphanet 891, MedGen C1866176, MONDO:0011151, OMIM 601813.

Allele frequency attached by ClinVar (database versions not stated): gnomAD exomes below 0.00001.
gnomAD v4.1: 2 of 1,548,148 alleles (0.00013%); highest among the groups gnomAD compares: Non-Finnish European, 0.00017%; no homozygotes.

Submissions (2):

Labcorp Genetics (formerly Invitae), Labcorp
Classification: Uncertain significance. Last evaluated: 2024-06-04. Review status: criteria provided, single submitter. Criteria: Invitae Variant Classification Sherloc (09022015). Collection method: clinical testing. Allele origin: germline.
Comment: This sequence change affects codon 1496 of the LRP5 mRNA. It is a 'silent' change, meaning that it does not change the encoded amino acid sequence of the LRP5 protein. This variant also falls at the last nucleotide of exon 21, which is part of the consensus splice site for this exon. This variant is not present in population databases (gnomAD no frequency). This variant has been observed in individual(s) with familial exudative vitreoretinopathy (PMID: 26244290). ClinVar contains an entry for this variant (Variation ID: 635003). Variants that disrupt the consensus splice site are a relatively common cause of aberrant splicing (PMID: 17576681, 9536098). Algorithms developed to predict the effect of sequence changes on RNA splicing suggest that this variant may disrupt the consensus splice site. In summary, the available evidence is currently insufficient to determine the role of this variant in disease. Therefore, it has been classified as a Variant of Uncertain Significance.

Foundation for Research in Genetics and Endocrinology, FRIGE's Institute of Human Genetics
Classification: Uncertain significance for Exudative vitreoretinopathy 4. Last evaluated: 2019-03-05. Review status: criteria provided, single submitter. Criteria: ACMG Guidelines, 2015. Collection method: clinical testing. Allele origin: germline. Inheritance: Autosomal dominant inheritance. Affected: yes. Observed: 1 heterozygote.
Comment: The observed variant c.4488G>A is a synonymous mutation in exon 21 of the LRP5 gene. It has resulted in a synonymous amino acid change p.Pro1496Pro. The variant has not been reported in the 1000 Genomes, gnomAD and ExAC databases. The in silico prediction of this variant is damaging by MutationTaster2. The reference codon is conserved across mammals. In summary, the variant is classified to be of uncertain significance as per the ACMG Guidelines, 2015.

Literature cited by the submitters: PubMed 26244290 (cited by Labcorp Genetics (formerly Invitae), Labcorp); PubMed 17576681 (cited by Labcorp Genetics (formerly Invitae), Labcorp); PubMed 9536098 (cited by Labcorp Genetics (formerly Invitae), Labcorp).

NM_002335.4(LRP5):c.4488G>A (p.Pro1496=)

Gene: LRP5 (LDL receptor related protein 5; plus strand). Cytogenetic location: 11q13.2.
Variant type: single nucleotide variant.
Coding change: c.4488G>A on transcript NM_002335.4 (MANE Select); coding-DNA position 4488, G replaced by A.
Protein change: p.Pro1496=; no amino-acid change (proline 1496 retained).
Molecular consequence: synonymous variant.
Genome position (GRCh38, 1-based): chr11:68,439,916, G>A. VCF-style: chr11-68439916-G-A. GRCh37 (hg19) VCF-style: chr11-68207384-G-A.
Other names: P1496P; c.2745G>A, p.Pro915= (NM_001291902.2).
Identifiers: ClinVar variation 635003 (VCV000635003.5), dbSNP rs1565118560, ClinGen allele CA475461700.
Genomic context (GRCh38, chr11:68,439,916, plus strand): 5'-CCACGTCACAGGGGCCTCGTCCAGCAGCTCGTCCAGCACGAAGGCCACGCTGTACCCGCC[G>A]GTGAGGGGCGGGGCCGGGGAGGGGCGGGGCGGGATGGGGCTGTGGGCCCCTCCCACCGTC-3'
Protein context (NP_002326.2, residues 1486-1506): SSSTKATLYP[Pro1496=]ILNPPPSPAT